The following is an entry in ClinVar:

ClinVar aggregate classification (germline): Benign/Likely benign. Review status: criteria provided, multiple submitters, no conflicts (2 of 4 stars). 6 submissions from 6 submitters: Benign (4); Likely benign (2). Last evaluated 2026-01-27.

Conditions:
Hypouricemia, renal, 2. Also called: HYPOURICEMIA, RENAL, 2, AUTOSOMAL DOMINANT; HYPOURICEMIA, RENAL, 2, AUTOSOMAL RECESSIVE. Identifiers: MedGen C2677549, MONDO:0012793, OMIM 612076.

Allele frequency attached by ClinVar (database versions not stated): 1000 Genomes Project 0.00160; 1000 Genomes Project 30x 0.00219; gnomAD 0.00298 and 0.00303; TOPMed 0.00319; ExAC 0.00394; ESP Exome Variant Server 0.00400; gnomAD exomes 0.00402 and 0.00407.
gnomAD v4.1: 6,412 of 1,600,258 alleles (0.4%); highest among the groups gnomAD compares: Middle Eastern, 3%; 41 homozygotes.

Submissions (6):

Labcorp Genetics (formerly Invitae), Labcorp
Classification: Benign. Last evaluated: 2026-01-27. Review status: criteria provided, single submitter. Criteria: Invitae Variant Classification Sherloc (09022015). Collection method: clinical testing. Allele origin: germline.

CeGaT Center for Human Genetics Tuebingen
Classification: Likely benign. Last evaluated: 2025-05-01. Review status: criteria provided, single submitter. Criteria: CeGaT Center For Human Genetics Tuebingen Variant Classification Criteria Version 2. Collection method: clinical testing. Allele origin: germline. Affected: yes. Observed: 2 variant alleles.
Comment: SLC2A9: BP4, BS2

Blueprint Genetics
Classification: Likely benign. Last evaluated: 2024-11-25. Review status: criteria provided, single submitter. Criteria: ACMG Guidelines, 2015. Collection method: clinical testing. Allele origin: germline.

Mayo Clinic Laboratories, Mayo Clinic
Classification: Benign. Last evaluated: 2024-11-11. Review status: criteria provided, single submitter. Criteria: ACMG Guidelines, 2015. Collection method: clinical testing. Allele origin: germline. Observed: 2 variant alleles.
Comment: BS1, BS2, BP4, BP7

Illumina Laboratory Services, Illumina
Classification: Benign for Hypouricemia, renal, 2. Last evaluated: 2018-01-12. Review status: criteria provided, single submitter. Criteria: ICSL Variant Classification Criteria 13 December 2019. Collection method: clinical testing. Allele origin: germline.
Comment: This variant was observed in the ICSL laboratory as part of a predisposition screen in an ostensibly healthy population. It had not been previously curated by ICSL or reported in the Human Gene Mutation Database (HGMD: prior to June 1st, 2018), and was therefore a candidate for classification through an automated scoring system. Utilizing variant allele frequency, disease prevalence and penetrance estimates, and inheritance mode, an automated score was calculated to assess if this variant is too frequent to cause the disease. Based on the score and internal cut-off values, a variant classified as benign is not then subjected to further curation. The score for this variant resulted in a classification of benign for this disease.

Breakthrough Genomics
Classification: Benign. Review status: criteria provided, single submitter. Criteria: ACMG Guidelines, 2015. Collection method: not provided. Allele origin: germline. Inheritance: Autosomal dominant inheritance. Affected: yes.

NM_020041.3(SLC2A9):c.1545C>T (p.Ser515=)

Gene: SLC2A9 (solute carrier family 2 member 9; minus strand). Cytogenetic location: 4p16.1.
Variant type: single nucleotide variant.
Coding change: c.1545C>T on transcript NM_020041.3 (MANE Select); coding-DNA position 1545, C replaced by T.
Protein change: p.Ser515=; no amino-acid change (serine 515 retained).
Molecular consequence: synonymous variant.
Genome position (GRCh38, 1-based): chr4:9,826,475, G>A on the plus strand (C>T on the coding strand, the complement: SLC2A9 is on the minus strand). VCF-style: chr4-9826475-G-A. GRCh37 (hg19) VCF-style: chr4-9828099-G-A.
Other names: p.Ser515=; c.1458C>T, p.Ser486= (NM_001001290.2).
Identifiers: ClinVar variation 350195 (VCV000350195.31), dbSNP rs144428359, ClinGen allele CA2856822.
Genomic context (GRCh38, chr4:9,826,475, plus strand): 5'-CTTACCATCAGTGACAGCTGAGTCGATTTTCTCTTCTGGTGGGTATGCTTTGTTCCTTTT[G>A]GAAAATGCCTGGCTGATTTCTGCATAGGTTCTGTTTTTGGTCTCAGGCAGCACAAAATAC-3'
Protein context (NP_064425.2, residues 505-525): RTYAEISQAF[Ser515=]KRNKAYPPEE